The following is an entry in ClinVar:

NM_000059.4(BRCA2):c.428del (p.Pro143fs)

Gene: BRCA2 (BRCA2 DNA repair associated; plus strand). Cytogenetic location: 13q13.1.
Variant type: Deletion.
Coding change: c.428del on transcript NM_000059.4 (MANE Select); coding-DNA position 428, one base deleted (C; older notation c.428delC).
Protein change: p.Pro143fs; shifts the reading frame from proline 143.
Molecular consequence: frameshift variant.
Genome position (GRCh38, 1-based): chr13:32,326,103, C deleted; the last of 2 consecutive C bases (chr13:32,326,102-32,326,103); deleting either gives the same sequence. VCF-style (leftmost placement, unchanged base first): chr13-32326101-TC-T. GRCh37 (hg19) VCF-style: chr13-32900238-TC-T.
Other names: c.428delC (NM_000059.3); short protein forms P143fs.
Identifiers: ClinVar variation 483015 (VCV000483015.6), dbSNP rs886040519, ClinGen allele CA658656341.

ClinVar aggregate classification (germline): Pathogenic (1 of 4 stars; one submission).

Conditions:
Hereditary cancer-predisposing syndrome. Also called: Neoplastic Syndromes, Hereditary; Tumor predisposition; Hereditary Cancer Syndrome; Hereditary neoplastic syndrome. Identifiers: Orphanet 140162, MedGen C0027672, MeSH D009386, MONDO:0015356.

Submission:

Ambry Genetics
Classification: Pathogenic for Hereditary cancer-predisposing syndrome. Last evaluated: 2025-11-21. Review status: criteria provided, single submitter. Criteria: Ambry Variant Classification Scheme 2023. Collection method: clinical testing. Allele origin: germline.
Comment: The c.428delC pathogenic mutation, located in coding exon 4 of the BRCA2 gene, results from a deletion of one nucleotide at nucleotide position 428, causing a translational frameshift with a predicted alternate stop codon (p.P143Lfs*9). This variant is considered to be rare based on population cohorts in the Genome Aggregation Database (gnomAD). This alteration is expected to result in loss of function by premature protein truncation or nonsense-mediated mRNA decay. As such, this alteration is interpreted as a disease-causing mutation.